The following is an entry in ClinVar:

ClinVar aggregate classification (germline): Uncertain significance. Review status: criteria provided, multiple submitters, no conflicts (2 of 4 stars). 2 submissions from 2 submitters: Uncertain significance (2). Last evaluated 2025-03-05.

Conditions:
Gorlin syndrome. Also called: Nevoid Basal Cell Carcinoma Syndrome; Basal cell nevus syndrome. Identifiers: Orphanet 377, MedGen C0004779, MONDO:0007187.
Hereditary cancer-predisposing syndrome. Also called: Neoplastic Syndromes, Hereditary; Hereditary neoplastic syndrome; Hereditary Cancer Syndrome; Tumor predisposition. Identifiers: Orphanet 140162, MedGen C0027672, MeSH D009386, MONDO:0015356.

gnomAD v4.1: 1 of 1,614,256 alleles (0.000062%); highest among the groups gnomAD compares: Non-Finnish European, 0.000085%; no homozygotes.

Submissions (2):

Ambry Genetics
Classification: Uncertain significance for Hereditary cancer-predisposing syndrome. Last evaluated: 2025-03-05. Review status: criteria provided, single submitter. Criteria: Ambry Variant Classification Scheme 2023. Collection method: clinical testing. Allele origin: germline.
Comment: The p.K838I variant (also known as c.2513A>T), located in coding exon 15 of the PTCH1 gene, results from an A to T substitution at nucleotide position 2513. The lysine at codon 838 is replaced by isoleucine, an amino acid with dissimilar properties. This amino acid position is conserved. In addition, this alteration is predicted to be tolerated by in silico analysis. Based on the available evidence, the clinical significance of this variant remains unclear.

Labcorp Genetics (formerly Invitae), Labcorp
Classification: Uncertain significance for Gorlin syndrome. Last evaluated: 2023-10-26. Review status: criteria provided, single submitter. Criteria: Invitae Variant Classification Sherloc (09022015). Collection method: clinical testing. Allele origin: germline.
Comment: This sequence change replaces lysine, which is basic and polar, with isoleucine, which is neutral and non-polar, at codon 838 of the PTCH1 protein (p.Lys838Ile). This variant is not present in population databases (gnomAD no frequency). This variant has not been reported in the literature in individuals affected with PTCH1-related conditions. ClinVar contains an entry for this variant (Variation ID: 2144501). Advanced modeling of protein sequence and biophysical properties (such as structural, functional, and spatial information, amino acid conservation, physicochemical variation, residue mobility, and thermodynamic stability) performed at Invitae indicates that this missense variant is not expected to disrupt PTCH1 protein function with a negative predictive value of 95%. In summary, the available evidence is currently insufficient to determine the role of this variant in disease. Therefore, it has been classified as a Variant of Uncertain Significance.

NM_000264.5(PTCH1):c.2513A>T (p.Lys838Ile)

Genes: PTCH1 (patched 1; minus strand), LOC100507346 (uncharacterized LOC100507346; plus strand). Cytogenetic location: 9q22.32.
Variant type: single nucleotide variant.
Coding change: c.2513A>T on transcript NM_000264.5 (MANE Select); coding-DNA position 2513, A replaced by T.
Protein change: p.Lys838Ile; replaces lysine 838 with isoleucine.
Molecular consequence: missense variant. On other transcripts: non-coding transcript variant (2).
Genome position (GRCh38, 1-based): chr9:95,467,163, T>A on the plus strand (A>T on the coding strand, the complement: PTCH1 is on the minus strand). VCF-style: chr9-95467163-T-A. GRCh37 (hg19) VCF-style: chr9-98229445-T-A.
Other names: c.2315A>T, p.Lys772Ile (NM_001083602.3); c.2510A>T, p.Lys837Ile (NM_001083603.3); c.2060A>T, p.Lys687Ile (NM_001083604.3, NM_001083605.3, NM_001083606.3 and 1 more transcripts); c.2357A>T, p.Lys786Ile (NM_001354918.2); short protein forms K687I, K772I, K837I, K838I, K786I.
Identifiers: ClinVar variation 2144501 (VCV002144501.5), dbSNP rs1220749812, ClinGen allele CA374113857.